The following is an entry in ClinVar:

ClinVar aggregate classification (germline): Uncertain significance (1 of 4 stars; one submission).

Conditions:
Myopathy, tubular aggregate, 2 (TAM2). Identifiers: MedGen C4014557, MONDO:0014383, OMIM 615883.
Combined immunodeficiency due to ORAI1 deficiency. Also called: IMMUNODEFICIENCY 9. Identifiers: Orphanet 169090, Orphanet 317428, MedGen C2748568, MONDO:0013007, OMIM 612782.

Submission:

Labcorp Genetics (formerly Invitae), Labcorp
Classification: Uncertain significance for Myopathy, tubular aggregate, 2; Combined immunodeficiency due to ORAI1 deficiency. Last evaluated: 2025-03-13. Review status: criteria provided, single submitter. Criteria: Invitae Variant Classification Sherloc (09022015). Collection method: clinical testing. Allele origin: germline.
Comment: This sequence change replaces alanine, which is neutral and non-polar, with valine, which is neutral and non-polar, at codon 6 of the ORAI1 protein (p.Ala6Val). The frequency data for this variant in the population databases is considered unreliable, as metrics indicate insufficient coverage at this position in the gnomAD database. This variant has not been reported in the literature in individuals affected with ORAI1-related conditions. ClinVar contains an entry for this variant (Variation ID: 1347190). Experimental studies and prediction algorithms are not available or were not evaluated, and the functional significance of this variant is currently unknown. In summary, the available evidence is currently insufficient to determine the role of this variant in disease. Therefore, it has been classified as a Variant of Uncertain Significance.

NC_000012.12:g.121626759C>T

Genes: ORAI1 (ORAI calcium release-activated calcium modulator 1; plus strand), LOC130008987 (ATAC-STARR-seq lymphoblastoid silent region 4981; plus strand). Cytogenetic location: 12q24.31.
Variant type: single nucleotide variant.
Genome position: GRCh38 VCF-style: chr12-121626759-C-T. GRCh37 (hg19) VCF-style: chr12-122064664-C-T.
Other names: c.17C>T, p.Ala6Val (NM_032790.4); short protein forms A6V.
Identifiers: ClinVar variation 1347190 (VCV001347190.6), dbSNP rs2136841307, ClinGen allele CA386980274.
Genomic context (GRCh38, chr12:121,626,759, plus strand): 5'-GCCTCGCGGCGCCCGGGCCGGCCCGCGCCTCGGCGGCGTGCTCCATGCATCCGGAGCCCG[C>T]CCCGCCCCCGAGCCGCAGCAGTCCCGAGCTTCCCCCAAGCGGCGGCAGCACCACCAGCGG-3'